The following is an entry in ClinVar:

ClinVar aggregate classification (germline): Uncertain significance (1 of 4 stars; one submission).

Conditions:
Autism, susceptibility to, 20. Identifiers: MedGen C5394226, MONDO:0030004, OMIM 618830.

Submission:

Clinical Genetics Laboratory, University Hospital Schleswig-Holstein
Classification: Uncertain significance for Autism, susceptibility to, 20. Last evaluated: 2025-10-14. Review status: criteria provided, single submitter. Criteria: ACMG Guidelines, 2015. Collection method: clinical testing. Allele origin: germline. Affected: yes. Observed: 1 heterozygote.
Comment: ACMG criteria applied: PM2, PVS1_Moderate

NM_001365925.2(NLGN1):c.136C>T (p.Gln46Ter)

Gene: NLGN1 (neuroligin 1; plus strand). Cytogenetic location: 3q26.31.
Variant type: single nucleotide variant.
Coding change: c.136C>T on transcript NM_001365925.2 (MANE Select); coding-DNA position 136, C replaced by T.
Protein change: p.Gln46Ter; replaces glutamine 46 with a stop codon.
Molecular consequence: nonsense.
Genome position (GRCh38, 1-based): chr3:173,604,734, C>T. VCF-style: chr3-173604734-C-T. GRCh37 (hg19) VCF-style: chr3-173322524-C-T.
Other names: c.136C>T, p.Gln46Ter (NM_001365923.2, NM_001365924.2, NM_001365926.2 and 11 more transcripts); short protein forms Q46*.
Identifiers: ClinVar variation 4891248 (VCV004891248.1).
Genomic context (GRCh38, chr3:173,604,734, plus strand): 5'-GGTGCCCCATTGACTCTCTGTATGTTGGGATGTTTGCTTCAGGCTGGCCATGTGCTATCA[C>T]AAAAATTGGATGATGTGGACCCACTGGTGGCTACCAACTTTGGAAAGATAAGAGGGATTA-3'